The following is an entry in ClinVar:

NM_006393.3(NEBL):c.1279C>G (p.Leu427Val)

Gene: NEBL (nebulette; minus strand). Cytogenetic location: 10p12.31.
Variant type: single nucleotide variant.
Coding change: c.1279C>G on transcript NM_006393.3 (MANE Select); coding-DNA position 1279, C replaced by G.
Protein change: p.Leu427Val; replaces leucine 427 with valine.
Molecular consequence: missense variant. On other transcripts: intron variant (9).
Genome position (GRCh38, 1-based): chr10:20,840,798, G>C on the plus strand (C>G on the coding strand, the complement: NEBL is on the minus strand). VCF-style: chr10-20840798-G-C. GRCh37 (hg19) VCF-style: chr10-21129727-G-C.
Other names: c.250-27858C>G (NM_001377326.1, NM_001377327.1, NM_001377328.1); c.358-27858C>G (NM_213569.2, NM_001173484.2, NM_001377322.1); c.301-27858C>G (NM_001377324.1); c.292-27858C>G (NM_001377325.1); c.310-27858C>G (NM_001377323.1); short protein forms L427V.
Identifiers: ClinVar variation 1767293 (VCV001767293.6), dbSNP rs770142870, ClinGen allele CA376099180.

ClinVar aggregate classification (germline): Uncertain significance. Review status: criteria provided, multiple submitters, no conflicts (2 of 4 stars). 3 submissions from 3 submitters: Uncertain significance (3). Last evaluated 2025-04-25.

Conditions:
Primary dilated cardiomyopathy (DCM). Also called: Dilated Cardiomyopathy. Identifiers: Orphanet 217604, MedGen C0007193, MeSH D002311, MONDO:0005021, HP:0001644. Inheritance: Various modes of inheritance.

Allele frequency attached by ClinVar (database versions not stated): gnomAD 0.00001.
gnomAD v4.1: 1 of 1,611,374 alleles (0.000062%); highest among the groups gnomAD compares: African/African-American, 0.0013%; no homozygotes.

Submissions (3):

Ambry Genetics
Classification: Uncertain significance. Last evaluated: 2025-04-25. Review status: criteria provided, single submitter. Criteria: Ambry Variant Classification Scheme 2023. Collection method: clinical testing. Allele origin: germline.

Women's Health and Genetics/Laboratory Corporation of America, LabCorp
Classification: Uncertain significance. Last evaluated: 2024-10-06. Review status: criteria provided, single submitter. Criteria: LabCorp Variant Classification Summary - May 2015. Collection method: clinical testing. Allele origin: germline.

Labcorp Genetics (formerly Invitae), Labcorp
Classification: Uncertain significance for Primary dilated cardiomyopathy. Last evaluated: 2024-09-03. Review status: criteria provided, single submitter. Criteria: Invitae Variant Classification Sherloc (09022015). Collection method: clinical testing. Allele origin: germline.
Comment: This sequence change replaces leucine, which is neutral and non-polar, with valine, which is neutral and non-polar, at codon 427 of the NEBL protein (p.Leu427Val). This variant is not present in population databases (gnomAD no frequency). This variant has not been reported in the literature in individuals affected with NEBL-related conditions. ClinVar contains an entry for this variant (Variation ID: 1767293). An algorithm developed to predict the effect of missense changes on protein structure and function outputs the following: PolyPhen-2: "Benign". The valine amino acid residue is found in multiple mammalian species, which suggests that this missense change does not adversely affect protein function. In summary, the available evidence is currently insufficient to determine the role of this variant in disease. Therefore, it has been classified as a Variant of Uncertain Significance.